The following is an entry in ClinVar:

ClinVar aggregate classification (germline): Uncertain significance (1 of 4 stars; one submission).

gnomAD v4.1: 1 of 1,606,430 alleles (0.000062%); highest among the groups gnomAD compares: Non-Finnish European, 0.000085%; no homozygotes.

Submission:

GeneDx
Classification: Uncertain significance. Last evaluated: 2025-03-06. Review status: criteria provided, single submitter. Criteria: GeneDx Variant Classification Process June 2021. Collection method: clinical testing. Allele origin: germline. Affected: yes.
Comment: Not observed at significant frequency in large population cohorts (gnomAD); In silico analysis indicates that this missense variant does not alter protein structure/function; Has not been previously published as pathogenic or benign to our knowledge

NM_001375524.1(TRRAP):c.4246G>T (p.Ala1416Ser)

Gene: TRRAP (transformation/transcription domain associated protein; plus strand). Cytogenetic location: 7q22.1.
Variant type: single nucleotide variant.
Coding change: c.4246G>T on transcript NM_001375524.1 (MANE Select); coding-DNA position 4246, G replaced by T.
Protein change: p.Ala1416Ser; replaces alanine 1416 with serine.
Molecular consequence: missense variant.
Genome position (GRCh38, 1-based): chr7:98,937,662, G>T. VCF-style: chr7-98937662-G-T. GRCh37 (hg19) VCF-style: chr7-98535285-G-T.
Other names: c.4246G>T, p.Ala1416Ser (NM_001244580.2, NM_003496.4); short protein forms A1416S.
Identifiers: ClinVar variation 4082878 (VCV004082878.1).